The following is an entry in ClinVar:

ClinVar aggregate classification (germline): Uncertain significance (1 of 4 stars; one submission).

Conditions:
Fanconi anemia (FA). Also called: Fanconi's anemia. Identifiers: Orphanet 84, MedGen C0015625, MeSH D005199, MONDO:0019391.

Allele frequency attached by ClinVar (database versions not stated): gnomAD exomes below 0.00001; TOPMed 0.00001.
gnomAD v4.1: 3 of 1,210,479 alleles (0.00025%); highest among the groups gnomAD compares: Non-Finnish European, 0.00034%; no homozygotes.

Submission:

Labcorp Genetics (formerly Invitae), Labcorp
Classification: Uncertain significance for Fanconi anemia. Last evaluated: 2023-12-30. Review status: criteria provided, single submitter. Criteria: Invitae Variant Classification Sherloc (09022015). Collection method: clinical testing. Allele origin: germline.
Comment: This sequence change replaces arginine, which is basic and polar, with threonine, which is neutral and polar, at codon 145 of the FANCB protein (p.Arg145Thr). This variant is not present in population databases (gnomAD no frequency). This variant has not been reported in the literature in individuals affected with FANCB-related conditions. Advanced modeling of protein sequence and biophysical properties (such as structural, functional, and spatial information, amino acid conservation, physicochemical variation, residue mobility, and thermodynamic stability) performed at Invitae indicates that this missense variant is not expected to disrupt FANCB protein function with a negative predictive value of 80%. In summary, the available evidence is currently insufficient to determine the role of this variant in disease. Therefore, it has been classified as a Variant of Uncertain Significance.

NM_001018113.3(FANCB):c.434G>C (p.Arg145Thr)

Gene: FANCB (FA complementation group B; minus strand). Cytogenetic location: Xp22.2.
Variant type: single nucleotide variant.
Coding change: c.434G>C on transcript NM_001018113.3 (MANE Select); coding-DNA position 434, G replaced by C.
Protein change: p.Arg145Thr; replaces arginine 145 with threonine.
Molecular consequence: missense variant.
Genome position (GRCh38, 1-based): chrX:14,865,077, C>G on the plus strand (G>C on the coding strand, the complement: FANCB is on the minus strand). VCF-style: chrX-14865077-C-G. GRCh37 (hg19) VCF-style: chrX-14883199-C-G.
Other names: c.434G>C, p.Arg145Thr (NM_001324162.2, NM_001410764.1, NM_152633.4); short protein forms R145T.
Identifiers: ClinVar variation 2756089 (VCV002756089.3), dbSNP rs2092463473, ClinGen allele CA412444513.